The following is an entry in ClinVar:

ClinVar aggregate classification (germline): Uncertain significance (1 of 4 stars; one submission).

Conditions:
Werner syndrome (WRN). Identifiers: Orphanet 902, MedGen C0043119, MONDO:0010196, OMIM 277700.

Allele frequency attached by ClinVar (database versions not stated): gnomAD exomes below 0.00001.
gnomAD v4.1: 1 of 1,614,066 alleles (0.000062%); highest among the groups gnomAD compares: Non-Finnish European, 0.000085%; no homozygotes.

Submission:

Labcorp Genetics (formerly Invitae), Labcorp
Classification: Uncertain significance for Werner syndrome. Last evaluated: 2023-04-14. Review status: criteria provided, single submitter. Criteria: Invitae Variant Classification Sherloc (09022015). Collection method: clinical testing. Allele origin: germline.
Comment: This sequence change replaces alanine, which is neutral and non-polar, with valine, which is neutral and non-polar, at codon 1176 of the WRN protein (p.Ala1176Val). This variant is not present in population databases (gnomAD no frequency). This variant has not been reported in the literature in individuals affected with WRN-related conditions. An algorithm developed to predict the effect of missense changes on protein structure and function (PolyPhen-2) suggests that this variant is likely to be disruptive. In summary, the available evidence is currently insufficient to determine the role of this variant in disease. Therefore, it has been classified as a Variant of Uncertain Significance.

NM_000553.6(WRN):c.3527C>T (p.Ala1176Val)

Gene: WRN (WRN RecQ like helicase; plus strand). Cytogenetic location: 8p12.
Variant type: single nucleotide variant.
Coding change: c.3527C>T on transcript NM_000553.6 (MANE Select); coding-DNA position 3527, C replaced by T.
Protein change: p.Ala1176Val; replaces alanine 1176 with valine.
Molecular consequence: missense variant.
Genome position (GRCh38, 1-based): chr8:31,147,431, C>T. VCF-style: chr8-31147431-C-T. GRCh37 (hg19) VCF-style: chr8-31004947-C-T.
Other names: short protein forms A1176V.
Identifiers: ClinVar variation 2855988 (VCV002855988.3), dbSNP rs2536043241, ClinGen allele CA370925904.